The following is an entry in ClinVar:

ClinVar aggregate classification (germline): Pathogenic. Review status: criteria provided, single submitter (1 of 4 stars). 2 submissions from 2 submitters: Pathogenic (1). 1 of the submissions does not count toward it. Last evaluated 2021-04-02.

Conditions:
Microcornea-myopic chorioretinal atrophy. Also called: Microcornea, myopic chorioretinal atrophy, and telecanthus. Identifiers: Orphanet 369970, MedGen C3809567, MONDO:0014195, OMIM 615458.

Allele frequency attached by ClinVar (database versions not stated): gnomAD exomes below 0.00001.
gnomAD v4.1: 7 of 1,613,938 alleles (0.00043%); highest among the groups gnomAD compares: Admixed American, 0.0017%; no homozygotes.

Submissions (2):

Labcorp Genetics (formerly Invitae), Labcorp
Classification: Pathogenic. Last evaluated: 2021-04-02. Review status: criteria provided, single submitter. Criteria: Invitae Variant Classification Sherloc (09022015). Collection method: clinical testing. Allele origin: germline.
Comment: This variant has not been reported in the literature in individuals with ADAMTS18-related conditions. This variant is not present in population databases (ExAC no frequency). For these reasons, this variant has been classified as Pathogenic. This sequence change creates a premature translational stop signal (p.Arg1047*) in the ADAMTS18 gene. It is expected to result in an absent or disrupted protein product. Loss-of-function variants in ADAMTS18 are known to be pathogenic (PMID: 23818446, 24874986).

Comprehensive Medical Genetic Center, Shiraz University of Medical Sciences
Classification: Pathogenic for Microcornea-myopic chorioretinal atrophy. Review status: no assertion criteria provided. Collection method: clinical testing. Allele origin: inherited. Inheritance: Autosomal recessive inheritance. Affected: yes. Not counted in ClinVar's aggregate classification.

Literature cited by the submitters: PubMed 23818446 (cited by Labcorp Genetics (formerly Invitae), Labcorp); PubMed 24874986 (cited by Labcorp Genetics (formerly Invitae), Labcorp).

NM_199355.4(ADAMTS18):c.3139C>T (p.Arg1047Ter)

Gene: ADAMTS18 (ADAM metallopeptidase with thrombospondin type 1 motif 18; minus strand). Cytogenetic location: 16q23.1.
Variant type: single nucleotide variant.
Coding change: c.3139C>T on transcript NM_199355.4 (MANE Select); coding-DNA position 3139, C replaced by T.
Protein change: p.Arg1047Ter; replaces arginine 1047 with a stop codon.
Molecular consequence: nonsense.
Genome position (GRCh38, 1-based): chr16:77,293,126, G>A on the plus strand (C>T on the coding strand, the complement: ADAMTS18 is on the minus strand). VCF-style: chr16-77293126-G-A. GRCh37 (hg19) VCF-style: chr16-77327023-G-A.
Other names: c.2623C>T, p.Arg875Ter (NM_001326358.2); short protein forms R875*, R1047*.
Identifiers: ClinVar variation 1456719 (VCV001456719.7), dbSNP rs1011453043, ClinGen allele CA284424422.